The following is an entry in ClinVar:

NM_001036.6(RYR3):c.11894G>C (p.Cys3965Ser)

Gene: RYR3 (ryanodine receptor 3; plus strand). Cytogenetic location: 15q14.
Variant type: single nucleotide variant.
Coding change: c.11894G>C on transcript NM_001036.6 (MANE Select); coding-DNA position 11894, G replaced by C.
Protein change: p.Cys3965Ser; replaces cysteine 3965 with serine.
Molecular consequence: missense variant.
Genome position (GRCh38, 1-based): chr15:33,837,874, G>C. VCF-style: chr15-33837874-G-C. GRCh37 (hg19) VCF-style: chr15-34130075-G-C.
Other names: c.11879G>C, p.Cys3960Ser (NM_001243996.4); short protein forms C3960S, C3965S.
Identifiers: ClinVar variation 1024300 (VCV001024300.9), dbSNP rs982440028, ClinGen allele CA268592007.

ClinVar aggregate classification (germline): Uncertain significance. Review status: criteria provided, multiple submitters, no conflicts (2 of 4 stars). 2 submissions from 2 submitters: Uncertain significance (2). Last evaluated 2024-10-21.

Conditions:
Epileptic encephalopathy. Identifiers: MedGen C0543888, HP:0200134.

Allele frequency attached by ClinVar (database versions not stated): gnomAD exomes 0.00001; TOPMed 0.00001.
gnomAD v4.1: 9 of 1,614,036 alleles (0.00056%); highest among the groups gnomAD compares: Admixed American, 0.0083%; no homozygotes.

Submissions (2):

Labcorp Genetics (formerly Invitae), Labcorp
Classification: Uncertain significance for Epileptic encephalopathy. Last evaluated: 2024-10-21. Review status: criteria provided, single submitter. Criteria: Invitae Variant Classification Sherloc (09022015). Collection method: clinical testing. Allele origin: germline.
Comment: This sequence change replaces cysteine, which is neutral and slightly polar, with serine, which is neutral and polar, at codon 3965 of the RYR3 protein (p.Cys3965Ser). This variant is present in population databases (no rsID available, gnomAD 0.003%). This variant has not been reported in the literature in individuals affected with RYR3-related conditions. ClinVar contains an entry for this variant (Variation ID: 1024300). Invitae Evidence Modeling of protein sequence and biophysical properties (such as structural, functional, and spatial information, amino acid conservation, physicochemical variation, residue mobility, and thermodynamic stability) indicates that this missense variant is expected to disrupt RYR3 protein function with a positive predictive value of 80%. In summary, the available evidence is currently insufficient to determine the role of this variant in disease. Therefore, it has been classified as a Variant of Uncertain Significance.

New York Genome Center
Classification: Uncertain significance. Last evaluated: 2020-05-07. Review status: criteria provided, single submitter. Criteria: NYGC Assertion Criteria 2020. Collection method: clinical testing. Allele origin: inherited. Observed: 1 heterozygote. Study: CSER-NYCKidSeq.
Comment: The inherited c.11894G>C,p.Cys3965Ser variant has not been reported in the literature in individuals with RYR3-related conditions. The variant has 0.0008% allele frequency in the gnomAD database (2 out of 249,122 heterozygous alleles), indicating this is a rare allele. In silico tool predicts the variant is expected to be deleterious [PMID: 24681721]. Based on the available evidence, the variant c.11894G>C, p.Cys3965Ser in the RYR3 gene is classified as Variant of Uncertain Significance.